The following is an entry in ClinVar:

NM_032447.5(FBN3):c.457_506dup (p.Val170fs)

Gene: FBN3 (fibrillin 3; minus strand). Cytogenetic location: 19p13.2.
Variant type: Duplication.
Coding change: c.457_506dup on transcript NM_032447.5 (MANE Select); coding-DNA positions 457 to 506, 50 bases duplicated.
Protein change: p.Val170fs; shifts the reading frame from valine 170.
Molecular consequence: frameshift variant.
Genome position (GRCh38, 1-based): chr19:8,144,912-8,144,961, 50 bases duplicated. GRCh37 (hg19): chr19:8,209,796-8,209,845.
Other names: c.457_506dup, p.Val170fs (NM_001321431.2); short protein forms V170fs.
Identifiers: ClinVar variation 4726691 (VCV004726691.1).

ClinVar aggregate classification (germline): Uncertain significance (1 of 4 stars; one submission).

Submission:

Labcorp Genetics (formerly Invitae), Labcorp
Classification: Uncertain significance. Last evaluated: 2025-09-10. Review status: criteria provided, single submitter. Criteria: Invitae Variant Classification Sherloc (09022015). Collection method: clinical testing. Allele origin: germline.
Comment: This sequence change creates a premature translational stop signal (p.Val170Alafs*39) in the FBN3 gene. It is expected to result in an absent or disrupted protein product. However, the current clinical and genetic evidence is not sufficient to establish whether loss-of-function variants in FBN3 cause disease. This variant is present in population databases (no rsID available, gnomAD 0.003%). This variant has not been reported in the literature in individuals affected with FBN3-related conditions. In summary, the available evidence is currently insufficient to determine the role of this variant in disease. Therefore, it has been classified as a Variant of Uncertain Significance.